The following is an entry in ClinVar:

ClinVar aggregate classification (germline): Pathogenic/Likely pathogenic. Review status: criteria provided, multiple submitters, no conflicts (2 of 4 stars). 2 submissions from 2 submitters: Pathogenic (1); Likely pathogenic (1). Last evaluated 2025-06-23.

Conditions:
Alstrom syndrome (ALMS). Identifiers: Orphanet 64, MedGen C0268425, MONDO:0008763, OMIM 203800.
ALMS1-related disorder. Also called: ALMS1-related condition.

Allele frequency attached by ClinVar (database versions not stated): gnomAD exomes below 0.00001; TOPMed below 0.00001; ExAC 0.00001; gnomAD 0.00001; 1000 Genomes Project 0.00020; 1000 Genomes Project 30x 0.00031.

Submissions (2):

Labcorp Genetics (formerly Invitae), Labcorp
Classification: Pathogenic for Alstrom syndrome. Last evaluated: 2025-06-23. Review status: criteria provided, single submitter. Criteria: Invitae Variant Classification Sherloc (09022015). Collection method: clinical testing. Allele origin: germline.
Comment: This sequence change creates a premature translational stop signal (p.Gln3585*) in the ALMS1 gene. It is expected to result in an absent or disrupted protein product. Loss-of-function variants in ALMS1 are known to be pathogenic (PMID: 17594715). This variant is present in population databases (rs192823093, gnomAD 0.008%). This premature translational stop signal has been observed in individual(s) with Alstrom syndrome (PMID: 17594715). ClinVar contains an entry for this variant (Variation ID: 1071888). For these reasons, this variant has been classified as Pathogenic.

Blueprint Genetics
Classification: Likely pathogenic for ALMS1-related disorders. Last evaluated: 2021-11-03. Review status: criteria provided, single submitter. Criteria: ACMG Guidelines, 2015. Collection method: clinical testing. Allele origin: germline. Affected: yes. Observed: 2 variant alleles.

Literature cited by the submitters: PubMed 17594715 (cited by Labcorp Genetics (formerly Invitae), Labcorp).

NM_001378454.1(ALMS1):c.10750C>T (p.Gln3584Ter)

Gene: ALMS1 (ALMS1 centrosome and basal body associated protein; plus strand). Cytogenetic location: 2p13.1.
Variant type: single nucleotide variant.
Coding change: c.10750C>T on transcript NM_001378454.1 (MANE Select); coding-DNA position 10750, C replaced by T.
Protein change: p.Gln3584Ter; replaces glutamine 3584 with a stop codon.
Molecular consequence: nonsense.
Genome position (GRCh38, 1-based): chr2:73,572,627, C>T. VCF-style: chr2-73572627-C-T. GRCh37 (hg19) VCF-style: chr2-73799754-C-T.
Other names: c.10753C>T, p.Gln3585Ter (NM_015120.4); short protein forms Q3584*, Q3585*.
Identifiers: ClinVar variation 1071888 (VCV001071888.8), dbSNP rs192823093, ClinGen allele CA1715052.